The following is an entry in ClinVar:

NM_003672.4(CDC14A):c.581C>G (p.Pro194Arg)

Gene: CDC14A (cell division cycle 14A; plus strand). Cytogenetic location: 1p21.2.
Variant type: single nucleotide variant.
Coding change: c.581C>G on transcript NM_003672.4 (MANE Select); coding-DNA position 581, C replaced by G.
Protein change: p.Pro194Arg; replaces proline 194 with arginine.
Molecular consequence: missense variant. On other transcripts: intron variant (1).
Genome position (GRCh38, 1-based): chr1:100,455,466, C>G. VCF-style: chr1-100455466-C-G. GRCh37 (hg19) VCF-style: chr1-100921022-C-G.
Other names: c.581C>G, p.Pro194Arg (NM_001319210.2, NM_033312.3, NM_033313.3); c.407C>G, p.Pro136Arg (NM_001319211.2); c.-272-7185C>G (NM_001319212.2); short protein forms P136R, P194R.
Identifiers: ClinVar variation 1707252 (VCV001707252.2), dbSNP rs2524299734, ClinGen allele CA341355654.

ClinVar aggregate classification (germline): Likely pathogenic (1 of 4 stars; one submission).

Submission:

GeneDx
Classification: Likely pathogenic. Last evaluated: 2022-09-15. Review status: criteria provided, single submitter. Criteria: GeneDx Variant Classification Process June 2021. Collection method: clinical testing. Allele origin: germline. Affected: yes.
Comment: Not observed in large population cohorts (gnomAD); In silico analysis supports that this missense variant has a deleterious effect on protein structure/function; Has not been previously published as pathogenic or benign to our knowledge